The following is an entry in ClinVar:

ClinVar aggregate classification (germline): Likely benign. Review status: criteria provided, multiple submitters, no conflicts (2 of 4 stars). 3 submissions from 3 submitters: Likely benign (2). 1 of the submissions does not count toward it. Last evaluated 2025-05-01.

Conditions:
PHIP-related disorder. Also called: PHIP-related disorders; PHIP-related condition.

Allele frequency attached by ClinVar (database versions not stated): ExAC 0.00002; gnomAD 0.00002; TOPMed 0.00002; ESP Exome Variant Server 0.00008.
gnomAD v4.1: 26 of 1,613,758 alleles (0.0016%); highest among the groups gnomAD compares: African/African-American, 0.0093%; no homozygotes.

Submissions (3):

Labcorp Genetics (formerly Invitae), Labcorp
Classification: Likely benign. Last evaluated: 2025-05-01. Review status: criteria provided, single submitter. Criteria: Invitae Variant Classification Sherloc (09022015). Collection method: clinical testing. Allele origin: germline.

Blueprint Genetics
Classification: Likely benign. Last evaluated: 2023-12-21. Review status: criteria provided, single submitter. Criteria: ACMG Guidelines, 2015. Collection method: clinical testing. Allele origin: germline.

PreventionGenetics, part of Exact Sciences
Classification: Likely benign for PHIP-related condition. Last evaluated: 2022-12-16. Review status: no assertion criteria provided. Collection method: clinical testing. Allele origin: germline. Not counted in ClinVar's aggregate classification.
Comment: This variant is classified as likely benign based on ACMG/AMP sequence variant interpretation guidelines (Richards et al. 2015 PMID: 25741868, with internal and published modifications).

NM_017934.7(PHIP):c.381G>A (p.Ala127=)

Gene: PHIP (PHIP subunit of CUL4-Ring ligase complex; minus strand). Cytogenetic location: 6q14.1.
Variant type: single nucleotide variant.
Coding change: c.381G>A on transcript NM_017934.7 (MANE Select); coding-DNA position 381, G replaced by A.
Protein change: p.Ala127=; no amino-acid change (alanine 127 retained).
Molecular consequence: synonymous variant.
Genome position (GRCh38, 1-based): chr6:79,060,536, C>T on the plus strand (G>A on the coding strand, the complement: PHIP is on the minus strand). VCF-style: chr6-79060536-C-T. GRCh37 (hg19) VCF-style: chr6-79770253-C-T.
Other names: c.381G>A (NM_017934.6).
Identifiers: ClinVar variation 2069380 (VCV002069380.6), dbSNP rs376769294, ClinGen allele CA3900381.